The following is an entry in ClinVar:

NM_001101426.4(CRPPA):c.1252G>T (p.Asp418Tyr)

Genes: CRPPA (CDP-L-ribitol pyrophosphorylase A; minus strand), LOC129389757 (MPRA-validated peak6410 silencer; plus strand). Cytogenetic location: 7p21.2.
Variant type: single nucleotide variant.
Coding change: c.1252G>T on transcript NM_001101426.4 (MANE Select); coding-DNA position 1252, G replaced by T.
Protein change: p.Asp418Tyr; replaces aspartic acid 418 with tyrosine.
Molecular consequence: missense variant. On other transcripts: non-coding transcript variant (1).
Genome position (GRCh38, 1-based): chr7:16,091,799, C>A on the plus strand (G>T on the coding strand, the complement: CRPPA is on the minus strand). VCF-style: chr7-16091799-C-A. GRCh37 (hg19) VCF-style: chr7-16131424-C-A.
Other names: c.1102G>T, p.Asp368Tyr (NM_001101417.4); c.1147G>T, p.Asp383Tyr (NM_001368197.1); short protein forms D368Y, D383Y, D418Y.
Identifiers: ClinVar variation 1003942 (VCV001003942.9), dbSNP rs1781843954, ClinGen allele CA367000454.

ClinVar aggregate classification (germline): Uncertain significance (1 of 4 stars; one submission).

Conditions:
Muscular dystrophy-dystroglycanopathy (congenital with brain and eye anomalies), type A, 7. Also called: WALKER-WARBURG SYNDROME OR MUSCLE-EYE-BRAIN DISEASE, ISPD-RELATED; Congenital muscular dystrophy-dystroglycanopathy with brain and eye anomalies, type A7. Identifiers: Orphanet 899, MedGen C3553330, MONDO:0013835, OMIM 614643.
Autosomal recessive limb-girdle muscular dystrophy type 2U. Also called: Muscular dystrophy-dystroglycanopathy (limb-girdle), type c, 7; MUSCULAR DYSTROPHY, LIMB-GIRDLE, TYPE 2U. Identifiers: Orphanet 352479, MedGen C5190987, MONDO:0014474, OMIM 616052.

Submission:

Labcorp Genetics (formerly Invitae), Labcorp
Classification: Uncertain significance for Muscular dystrophy-dystroglycanopathy (congenital with brain and eye anomalies), type A, 7; Autosomal recessive limb-girdle muscular dystrophy type 2U. Last evaluated: 2020-08-26. Review status: criteria provided, single submitter. Criteria: Invitae Variant Classification Sherloc (09022015). Collection method: clinical testing. Allele origin: germline.
Comment: This sequence change replaces aspartic acid with tyrosine at codon 418 of the ISPD protein (p.Asp418Tyr). The aspartic acid residue is moderately conserved and there is a large physicochemical difference between aspartic acid and tyrosine. This variant is not present in population databases (ExAC no frequency). This variant has not been reported in the literature in individuals with ISPD-related conditions. Algorithms developed to predict the effect of missense changes on protein structure and function are either unavailable or do not agree on the potential impact of this missense change (SIFT: "Deleterious"; PolyPhen-2: "Possibly Damaging"; Align-GVGD: "Class C0"). Algorithms developed to predict the effect of sequence changes on RNA splicing suggest that this variant may disrupt the consensus splice site, but this prediction has not been confirmed by published transcriptional studies. In summary, the available evidence is currently insufficient to determine the role of this variant in disease. Therefore, it has been classified as a Variant of Uncertain Significance.